The following is an entry in ClinVar:

NM_001256071.3(RNF213):c.15340G>A (p.Ala5114Thr)

Genes: RNF213 (ring finger protein 213; plus strand), RNF213-AS1 (RNF213 antisense RNA 1; minus strand). Cytogenetic location: 17q25.3.
Variant type: single nucleotide variant.
Coding change: c.15340G>A on transcript NM_001256071.3 (MANE Select); coding-DNA position 15340, G replaced by A.
Protein change: p.Ala5114Thr; replaces alanine 5114 with threonine.
Molecular consequence: missense variant.
Genome position (GRCh38, 1-based): chr17:80,390,066, G>A. VCF-style: chr17-80390066-G-A. GRCh37 (hg19) VCF-style: chr17-78363866-G-A.
Other names: p.Ala5114Thr; c.15487G>A, p.Ala5163Thr (NM_001410195.1, NM_020914.5); short protein forms A5114T, A5163T.
Identifiers: ClinVar variation 3380534 (VCV003380534.3).

ClinVar aggregate classification (germline): Uncertain significance. Review status: criteria provided, multiple submitters, no conflicts (2 of 4 stars). 2 submissions from 2 submitters: Uncertain significance (2). Last evaluated 2024-04-03.

gnomAD v4.1: 3 of 1,614,104 alleles (0.00019%); highest among the groups gnomAD compares: African/African-American, 0.004%; no homozygotes.

Submissions (2):

Labcorp Genetics (formerly Invitae), Labcorp
Classification: Uncertain significance. Last evaluated: 2024-04-03. Review status: criteria provided, single submitter. Criteria: Invitae Variant Classification Sherloc (09022015). Collection method: clinical testing. Allele origin: germline.
Comment: This sequence change replaces alanine, which is neutral and non-polar, with threonine, which is neutral and polar, at codon 5114 of the RNF213 protein (p.Ala5114Thr). This variant is not present in population databases (gnomAD no frequency). This variant has not been reported in the literature in individuals affected with RNF213-related conditions. Algorithms developed to predict the effect of missense changes on protein structure and function output the following: SIFT: "Not Available"; PolyPhen-2: "Benign"; Align-GVGD: "Not Available". The threonine amino acid residue is found in multiple mammalian species, which suggests that this missense change does not adversely affect protein function. In summary, the available evidence is currently insufficient to determine the role of this variant in disease. Therefore, it has been classified as a Variant of Uncertain Significance.

Mayo Clinic Laboratories, Mayo Clinic
Classification: Uncertain significance. Last evaluated: 2023-12-20. Review status: criteria provided, single submitter. Criteria: ACMG Guidelines, 2015. Collection method: clinical testing. Allele origin: germline. Observed: 1 variant allele.
Comment: BP4_strong, PP2, PM2